The following is an entry in ClinVar:

ClinVar aggregate classification (germline): Uncertain significance (1 of 4 stars; one submission).

Conditions:
Early-infantile DEE. Also called: Early infantile epileptic encephalopathy; Early infantile epileptic encephalopathy with suppression bursts; Ohtahara syndrome. Identifiers: Orphanet 1934, MedGen C0393706, MONDO:0800491.

Submission:

Labcorp Genetics (formerly Invitae), Labcorp
Classification: Uncertain significance for Early-infantile DEE. Last evaluated: 2018-09-01. Review status: criteria provided, single submitter. Criteria: Invitae Variant Classification Sherloc (09022015). Collection method: clinical testing. Allele origin: germline.
Comment: This sequence change deletes 1 nucleotide from exon 6 of the ARHGEF15 mRNA (c.1102delG), causing a frameshift at codon 368. This creates a premature translational stop signal (p.Val368Trpfs*59) and is expected to result in an absent or disrupted protein product. This variant is not present in population databases (ExAC no frequency) and has not been reported in the literature in individuals with a ARHGEF15-related disease. The current clinical and genetic evidence is not sufficient to establish whether loss-of-function variants in ARHGEF15 cause disease. Therefore, this variant has been classified as a Variant of Uncertain Significance.

NM_173728.4(ARHGEF15):c.1102del (p.Val368fs)

Gene: ARHGEF15 (Rho guanine nucleotide exchange factor 15; plus strand). Cytogenetic location: 17p13.1.
Variant type: Deletion.
Coding change: c.1102del on transcript NM_173728.4 (MANE Select); coding-DNA position 1102, one base deleted (G; older notation c.1102delG).
Protein change: p.Val368fs; shifts the reading frame from valine 368.
Molecular consequence: frameshift variant.
Genome position (GRCh38, 1-based): chr17:8,315,119, G deleted; the last of 6 consecutive G bases (chr17:8,315,114-8,315,119); deleting any one gives the same sequence. VCF-style (leftmost placement, unchanged base first): chr17-8315113-TG-T. GRCh37 (hg19) VCF-style: chr17-8218431-TG-T.
Other names: c.1102del, p.Val368fs (NM_025014.2); short protein forms V368fs.
Identifiers: ClinVar variation 403969 (VCV000403969.9), dbSNP rs1060500048, ClinGen allele CA16615767.